The following is an entry in ClinVar:

ClinVar aggregate classification (germline): Uncertain significance. Review status: criteria provided, multiple submitters, no conflicts (2 of 4 stars). 2 submissions from 2 submitters: Uncertain significance (2). Last evaluated 2025-11-24.

Submissions (2):

Ambry Genetics
Classification: Uncertain significance. Last evaluated: 2025-11-24. Review status: criteria provided, single submitter. Criteria: Ambry Variant Classification Scheme 2023. Collection method: clinical testing. Allele origin: germline.

Labcorp Genetics (formerly Invitae), Labcorp
Classification: Uncertain significance. Last evaluated: 2022-10-30. Review status: criteria provided, single submitter. Criteria: Invitae Variant Classification Sherloc (09022015). Collection method: clinical testing. Allele origin: germline.
Comment: Algorithms developed to predict the effect of missense changes on protein structure and function are either unavailable or do not agree on the potential impact of this missense change (SIFT: "Not Available"; PolyPhen-2: "Probably Damaging"; Align-GVGD: "Not Available"). In summary, the available evidence is currently insufficient to determine the role of this variant in disease. Therefore, it has been classified as a Variant of Uncertain Significance. This variant has not been reported in the literature in individuals affected with PNLIP-related conditions. This variant is not present in population databases (gnomAD no frequency). This sequence change replaces cysteine, which is neutral and slightly polar, with phenylalanine, which is neutral and non-polar, at codon 20 of the PNLIP protein (p.Cys20Phe).

NM_000936.4(PNLIP):c.59G>T (p.Cys20Phe)

Gene: PNLIP (pancreatic lipase; plus strand). Cytogenetic location: 10q25.3.
Variant type: single nucleotide variant.
Coding change: c.59G>T on transcript NM_000936.4 (MANE Select); coding-DNA position 59, G replaced by T.
Protein change: p.Cys20Phe; replaces cysteine 20 with phenylalanine.
Molecular consequence: missense variant.
Genome position (GRCh38, 1-based): chr10:116,547,306, G>T. VCF-style: chr10-116547306-G-T. GRCh37 (hg19) VCF-style: chr10-118306818-G-T.
Other names: c.59G>T (NM_000936.2); short protein forms C20F.
Identifiers: ClinVar variation 2013063 (VCV002013063.5), dbSNP rs2493043058, ClinGen allele CA378490057.